The following is an entry in ClinVar:

ClinVar aggregate classification (germline): Uncertain significance (1 of 4 stars; one submission).

Conditions:
Autoimmune lymphoproliferative syndrome type 2A (ALPS2A). Also called: Autoimmune lymphoproliferative syndrome type 2; CASP10-Related Autoimmune Lymphoproliferative Syndrome; AUTOIMMUNE LYMPHOPROLIFERATIVE SYNDROME, TYPE IIA. Identifiers: Orphanet 3261, MedGen C1858968, MONDO:0011383, OMIM 603909.

Submission:

Labcorp Genetics (formerly Invitae), Labcorp
Classification: Uncertain significance for Autoimmune lymphoproliferative syndrome type 2A. Last evaluated: 2019-08-28. Review status: criteria provided, single submitter. Criteria: Invitae Variant Classification Sherloc (09022015). Collection method: clinical testing. Allele origin: germline.
Comment: In summary, the available evidence is currently insufficient to determine the role of this variant in disease. Therefore, it has been classified as a Variant of Uncertain Significance. Algorithms developed to predict the effect of missense changes on protein structure and function (SIFT, PolyPhen-2, Align-GVGD) all suggest that this variant is likely to be tolerated, but these predictions have not been confirmed by published functional studies and their clinical significance is uncertain. This variant has not been reported in the literature in individuals with CASP10-related conditions. This variant is not present in population databases (ExAC no frequency). This sequence change replaces aspartic acid with histidine at codon 428 of the CASP10 protein (p.Asp428His). The aspartic acid residue is moderately conserved and there is a moderate physicochemical difference between aspartic acid and histidine.

NM_032977.4(CASP10):c.1282G>C (p.Asp428His)

Gene: CASP10 (caspase 10; plus strand). Cytogenetic location: 2q33.1.
Variant type: single nucleotide variant.
Coding change: c.1282G>C on transcript NM_032977.4 (MANE Select); coding-DNA position 1282, G replaced by C.
Protein change: p.Asp428His; replaces aspartic acid 428 with histidine.
Molecular consequence: missense variant. On other transcripts: 3 prime UTR variant (1).
Genome position (GRCh38, 1-based): chr2:201,209,429, G>C. VCF-style: chr2-201209429-G-C. GRCh37 (hg19) VCF-style: chr2-202074152-G-C.
Other names: c.1081G>C, p.Asp361His (NM_001206524.2); c.1153G>C, p.Asp385His (NM_001206542.2, NM_001230.5); c.1282G>C, p.Asp428His (NM_032974.5); c.*368G>C (NM_032976.4); short protein forms D361H, D428H, D385H.
Identifiers: ClinVar variation 963347 (VCV000963347.12), dbSNP rs1945323616, ClinGen allele CA350292482.
Genomic context (GRCh38, chr2:201,209,429, plus strand): 5'-CCTTCCGTATCCATCGAAGCAGATGCTCTGAACCCTGAGCAGGCACCCACTTCCCTGCAG[G>C]ACAGTATTCCTGCCGAGGCTGACTTCCTACTTGGTCTGGCCACTGTCCCAGGCTATGTAT-3'
Protein context (NP_116759.2, residues 418-438): NPEQAPTSLQ[Asp428His]SIPAEADFLL